The following is an entry in ClinVar:

NM_000271.5(NPC1):c.306T>G (p.Tyr102Ter)

Gene: NPC1 (NPC intracellular cholesterol transporter 1; minus strand). Cytogenetic location: 18q11.2.
Variant type: single nucleotide variant.
Coding change: c.306T>G on transcript NM_000271.5 (MANE Select); coding-DNA position 306, T replaced by G.
Protein change: p.Tyr102Ter; replaces tyrosine 102 with a stop codon.
Molecular consequence: nonsense.
Genome position (GRCh38, 1-based): chr18:23,568,980, A>C on the plus strand (T>G on the coding strand, the complement: NPC1 is on the minus strand). VCF-style: chr18-23568980-A-C. GRCh37 (hg19) VCF-style: chr18-21148944-A-C.
Other names: short protein forms Y102*.
Identifiers: ClinVar variation 579540 (VCV000579540.48), dbSNP rs751249367, ClinGen allele CA401785903.

ClinVar aggregate classification (germline): Pathogenic. Review status: criteria provided, multiple submitters, no conflicts (2 of 4 stars). 6 submissions from 6 submitters: Pathogenic (4). 2 of the submissions do not count toward it. Last evaluated 2024-09-21.

Conditions:
Niemann-Pick disease, type C1. Also called: NEUROVISCERAL STORAGE DISEASE WITH VERTICAL SUPRANUCLEAR OPHTHALMOPLEGIA; NIEMANN-PICK DISEASE WITH CHOLESTEROL ESTERIFICATION BLOCK; NIEMANN-PICK DISEASE WITHOUT SPHINGOMYELINASE DEFICIENCY; NIEMANN-PICK DISEASE, CHRONIC NEURONOPATHIC FORM; NIEMANN-PICK DISEASE, VARIANT TYPE C1. Identifiers: Orphanet 646, MedGen C3179455, MONDO:0009757, OMIM 257220.

gnomAD v4.1: 6 of 1,613,660 alleles (0.00037%); highest among the groups gnomAD compares: Non-Finnish European, 0.00051%; no homozygotes.

Submissions (6):

Labcorp Genetics (formerly Invitae), Labcorp
Classification: Pathogenic for Niemann-Pick disease, type C1. Last evaluated: 2024-09-21. Review status: criteria provided, single submitter. Criteria: Invitae Variant Classification Sherloc (09022015). Collection method: clinical testing. Allele origin: germline.
Comment: This sequence change creates a premature translational stop signal (p.Tyr102*) in the NPC1 gene. It is expected to result in an absent or disrupted protein product. Loss-of-function variants in NPC1 are known to be pathogenic (PMID: 9211850). This variant is not present in population databases (gnomAD no frequency). This variant has not been reported in the literature in individuals affected with NPC1-related conditions. ClinVar contains an entry for this variant (Variation ID: 579540). For these reasons, this variant has been classified as Pathogenic.

Institute of Human Genetics Munich, TUM University Hospital
Classification: Pathogenic for Niemann-Pick disease, type C1. Last evaluated: 2024-06-20. Review status: criteria provided, single submitter. Criteria: Classification criteria August 2017. Collection method: clinical testing. Allele origin: germline. Inheritance: Autosomal recessive inheritance. Affected: yes. Observed: 1 variant allele.

Institute for Clinical Genetics, University Hospital TU Dresden, University Hospital TU Dresden
Classification: Pathogenic. Last evaluated: 2021-11-03. Review status: criteria provided, single submitter. Criteria: ACMG Guidelines, 2015. Collection method: clinical testing. Allele origin: germline.

CeGaT Center for Human Genetics Tuebingen
Classification: Pathogenic. Last evaluated: 2021-03-01. Review status: criteria provided, single submitter. Criteria: CeGaT Center For Human Genetics Tuebingen Variant Classification Criteria Version 2. Collection method: clinical testing. Allele origin: germline. Affected: yes. Observed: 1 variant allele.

Clinical Genetics DNA and cytogenetics Diagnostics Lab, Erasmus MC, Erasmus Medical Center
Classification: Pathogenic. Review status: no assertion criteria provided. Collection method: clinical testing. Allele origin: germline. Affected: yes. Study: VKGL Data-share Consensus. Not counted in ClinVar's aggregate classification.

Genome Diagnostics Laboratory, Amsterdam University Medical Center
Classification: Pathogenic. Review status: no assertion criteria provided. Collection method: clinical testing. Allele origin: germline. Affected: yes. Study: VKGL Data-share Consensus. Not counted in ClinVar's aggregate classification.

Literature cited by the submitters: PubMed 9211850 (cited by Labcorp Genetics (formerly Invitae), Labcorp).